The following is an entry in ClinVar:

NM_001048174.2(MUTYH):c.1480C>T (p.Pro494Ser)

Gene: MUTYH (mutY DNA glycosylase; minus strand). Cytogenetic location: 1p34.1.
Variant type: single nucleotide variant.
Coding change: c.1480C>T on transcript NM_001048174.2 (MANE Select); coding-DNA position 1480, C replaced by T.
Protein change: p.Pro494Ser; replaces proline 494 with serine.
Molecular consequence: missense variant. On other transcripts: non-coding transcript variant (2).
Genome position (GRCh38, 1-based): chr1:45,329,392, G>A on the plus strand (C>T on the coding strand, the complement: MUTYH is on the minus strand). VCF-style: chr1-45329392-G-A. GRCh37 (hg19) VCF-style: chr1-45795064-G-A.
Other names: c.1480C>T, p.Pro494Ser (NM_001048171.2, NM_001048173.2, NM_001293195.2); c.1483C>T, p.Pro495Ser (NM_001048172.2); c.1564C>T, p.Pro522Ser (NM_001128425.2); c.1525C>T, p.Pro509Ser (NM_001293190.2); c.1513C>T, p.Pro505Ser (NM_001293191.2); c.1204C>T, p.Pro402Ser (NM_001293192.2, NM_001293196.2); c.1135C>T, p.Pro379Ser (NM_001350650.2, NM_001350651.2); c.1555C>T, p.Pro519Ser (NM_012222.3); and 1 more; short protein forms P509S, P519S, P522S, P379S, P402S, P505S, P495S, P494S.
Identifiers: ClinVar variation 1392269 (VCV001392269.9), dbSNP rs2149089064, ClinGen allele CA340131780.

ClinVar aggregate classification (germline): Uncertain significance. Review status: criteria provided, multiple submitters, no conflicts (2 of 4 stars). 3 submissions from 3 submitters: Uncertain significance (3). Last evaluated 2025-08-27.

Conditions:
Familial adenomatous polyposis 2. Also called: Adenomas, multiple colorectal; MYH-associated polyposis; COLORECTAL ADENOMATOUS POLYPOSIS, AUTOSOMAL RECESSIVE; ADENOMAS, MULTIPLE COLORECTAL, AUTOSOMAL RECESSIVE; FAP type 2; MUTYH Polyposis. Identifiers: Orphanet 220460, Orphanet 247798, MedGen C3272841, MONDO:0012041, OMIM 608456.
Hereditary cancer-predisposing syndrome. Also called: Tumor predisposition; Neoplastic Syndromes, Hereditary; Hereditary Cancer Syndrome; Hereditary neoplastic syndrome. Identifiers: Orphanet 140162, MedGen C0027672, MeSH D009386, MONDO:0015356.

Submissions (3):

Ambry Genetics
Classification: Uncertain significance for Hereditary cancer-predisposing syndrome. Last evaluated: 2025-08-27. Review status: criteria provided, single submitter. Criteria: Ambry Variant Classification Scheme 2023. Collection method: clinical testing. Allele origin: germline.
Comment: The p.P522S variant (also known as c.1564C>T), located in coding exon 16 of the MUTYH gene, results from a C to T substitution at nucleotide position 1564. The proline at codon 522 is replaced by serine, an amino acid with similar properties. This amino acid position is conserved. In addition, this alteration is predicted to be tolerated by in silico analysis. Based on the available evidence, the clinical significance of this variant remains unclear.

Color Diagnostics, LLC DBA Color Health
Classification: Uncertain significance for Hereditary cancer-predisposing syndrome. Last evaluated: 2022-12-13. Review status: criteria provided, single submitter. Criteria: ACMG Guidelines, 2015. Collection method: clinical testing. Allele origin: germline.
Comment: This missense variant replaces proline with serine at codon 522 of the MUTYH protein. Computational prediction suggests that this variant may not impact protein structure and function (internally defined REVEL score threshold <= 0.5, PMID: 27666373). To our knowledge, functional studies have not been reported for this variant. This variant has not been reported in individuals affected with MUTYH-related disorders in the literature. This variant has not been identified in the general population by the Genome Aggregation Database (gnomAD). The available evidence is insufficient to determine the role of this variant in disease conclusively. Therefore, this variant is classified as a Variant of Uncertain Significance.

Labcorp Genetics (formerly Invitae), Labcorp
Classification: Uncertain significance for Familial adenomatous polyposis 2. Last evaluated: 2021-11-10. Review status: criteria provided, single submitter. Criteria: Invitae Variant Classification Sherloc (09022015). Collection method: clinical testing. Allele origin: germline.
Comment: In summary, the available evidence is currently insufficient to determine the role of this variant in disease. Therefore, it has been classified as a Variant of Uncertain Significance. Algorithms developed to predict the effect of missense changes on protein structure and function output the following: SIFT: "Tolerated"; PolyPhen-2: "Benign"; Align-GVGD: "Class C0". The serine amino acid residue is found in multiple mammalian species, which suggests that this missense change does not adversely affect protein function. This variant has not been reported in the literature in individuals affected with MUTYH-related conditions. This variant is not present in population databases (gnomAD no frequency). This sequence change replaces proline, which is neutral and non-polar, with serine, which is neutral and polar, at codon 522 of the MUTYH protein (p.Pro522Ser).